The following is an entry in ClinVar:

ClinVar aggregate classification (germline): Uncertain significance. Review status: criteria provided, multiple submitters, no conflicts (2 of 4 stars). 2 submissions from 2 submitters: Uncertain significance (2). Last evaluated 2023-01-12.

Conditions:
Primary dilated cardiomyopathy (DCM). Also called: Dilated Cardiomyopathy. Identifiers: Orphanet 217604, MedGen C0007193, MeSH D002311, MONDO:0005021, HP:0001644. Inheritance: Various modes of inheritance.

gnomAD v4.1: 2 of 1,613,940 alleles (0.00012%); highest among the groups gnomAD compares: Admixed American, 0.0017%; no homozygotes.

Submissions (2):

Ambry Genetics
Classification: Uncertain significance. Last evaluated: 2023-01-12. Review status: criteria provided, single submitter. Criteria: Ambry Variant Classification Scheme 2023. Collection method: clinical testing. Allele origin: germline.
Comment: The p.S38N variant (also known as c.113G>A), located in coding exon 2 of the NEBL gene, results from a G to A substitution at nucleotide position 113. The serine at codon 38 is replaced by asparagine, an amino acid with highly similar properties. This amino acid position is conserved. In addition, this alteration is predicted to be tolerated by in silico analysis. Since supporting evidence is limited at this time, the clinical significance of this alteration remains unclear.

Labcorp Genetics (formerly Invitae), Labcorp
Classification: Uncertain significance for Primary dilated cardiomyopathy. Last evaluated: 2022-10-25. Review status: criteria provided, single submitter. Criteria: Invitae Variant Classification Sherloc (09022015). Collection method: clinical testing. Allele origin: germline.
Comment: This variant has not been reported in the literature in individuals affected with NEBL-related conditions. This sequence change replaces serine, which is neutral and polar, with asparagine, which is neutral and polar, at codon 38 of the NEBL protein (p.Ser38Asn). This variant is present in population databases (rs375265257, gnomAD 0.003%). Algorithms developed to predict the effect of missense changes on protein structure and function output the following: SIFT: "Tolerated"; PolyPhen-2: "Benign"; Align-GVGD: "Class C0". The asparagine amino acid residue is found in multiple mammalian species, which suggests that this missense change does not adversely affect protein function. In summary, the available evidence is currently insufficient to determine the role of this variant in disease. Therefore, it has been classified as a Variant of Uncertain Significance.

NM_006393.3(NEBL):c.113G>A (p.Ser38Asn)

Gene: NEBL (nebulette; minus strand). Cytogenetic location: 10p12.31.
Variant type: single nucleotide variant.
Coding change: c.113G>A on transcript NM_006393.3 (MANE Select); coding-DNA position 113, G replaced by A.
Protein change: p.Ser38Asn; replaces serine 38 with asparagine.
Molecular consequence: missense variant. On other transcripts: intron variant (9).
Genome position (GRCh38, 1-based): chr10:20,896,998, C>T on the plus strand (G>A on the coding strand, the complement: NEBL is on the minus strand). VCF-style: chr10-20896998-C-T. GRCh37 (hg19) VCF-style: chr10-21185927-C-T.
Other names: c.249+64674G>A (NM_001377326.1, NM_001377327.1, NM_001377328.1); c.357+64674G>A (NM_213569.2, NM_001173484.2, NM_001377322.1); c.300+64674G>A (NM_001377324.1); c.291+64674G>A (NM_001377325.1); c.309+64674G>A (NM_001377323.1); short protein forms S38N.
Identifiers: ClinVar variation 1983334 (VCV001983334.6), dbSNP rs375265257, ClinGen allele CA5433376.